The following is an entry in ClinVar:

ClinVar aggregate classification (germline): Uncertain significance. Review status: criteria provided, multiple submitters, no conflicts (2 of 4 stars). 2 submissions from 2 submitters: Uncertain significance (2). Last evaluated 2022-03-08.

Conditions:
Menkes kinky-hair syndrome (MNK). Also called: Copper transport disease; Menkes Disease; Classic Menkes Disease. Identifiers: Orphanet 565, MedGen C0022716, MONDO:0010651, OMIM 309400.
Cutis laxa, X-linked (OHS). Also called: EDS IX; Occipital horn syndrome. Identifiers: Orphanet 198, MedGen C0268353, MONDO:0010572, OMIM 304150.
X-linked distal spinal muscular atrophy type 3. Also called: ATP7A-Related Distal Motor Neuropathy; SPINAL MUSCULAR ATROPHY, DISTAL, X-LINKED RECESSIVE; NEURONOPATHY, DISTAL HEREDITARY MOTOR, X-LINKED; NEUROPATHY, DISTAL HEREDITARY MOTOR, X-LINKED. Identifiers: Orphanet 139557, MedGen C1845359, MONDO:0010338, OMIM 300489.

Submissions (2):

Labcorp Genetics (formerly Invitae), Labcorp
Classification: Uncertain significance for X-linked distal spinal muscular atrophy type 3; Cutis laxa, X-linked; Menkes kinky-hair syndrome. Last evaluated: 2022-03-08. Review status: criteria provided, single submitter. Criteria: Invitae Variant Classification Sherloc (09022015). Collection method: clinical testing. Allele origin: germline.
Comment: This sequence change replaces leucine, which is neutral and non-polar, with valine, which is neutral and non-polar, at codon 599 of the ATP7A protein (p.Leu599Val). This variant is not present in population databases (gnomAD no frequency). This variant has not been reported in the literature in individuals affected with ATP7A-related conditions. ClinVar contains an entry for this variant (Variation ID: 1306018). Algorithms developed to predict the effect of missense changes on protein structure and function are either unavailable or do not agree on the potential impact of this missense change (SIFT: "Deleterious"; PolyPhen-2: "Probably Damaging"; Align-GVGD: "Class C0"). In summary, the available evidence is currently insufficient to determine the role of this variant in disease. Therefore, it has been classified as a Variant of Uncertain Significance.

GeneDx
Classification: Uncertain significance. Last evaluated: 2019-05-23. Review status: criteria provided, single submitter. Criteria: GeneDx Variant Classification Process June 2021. Collection method: clinical testing. Allele origin: germline. Affected: yes.
Comment: Has not been previously published as pathogenic or benign to our knowledge; Not observed in large population cohorts (Lek et al., 2016); In silico analysis, which includes protein predictors and evolutionary conservation, supports a deleterious effect

NM_000052.7(ATP7A):c.1795C>G (p.Leu599Val)

Gene: ATP7A (ATPase copper transporting alpha; plus strand). Cytogenetic location: Xq21.1.
Variant type: single nucleotide variant.
Coding change: c.1795C>G on transcript NM_000052.7 (MANE Select); coding-DNA position 1795, C replaced by G.
Protein change: p.Leu599Val; replaces leucine 599 with valine.
Molecular consequence: missense variant.
Genome position (GRCh38, 1-based): chrX:78,009,189, C>G. VCF-style: chrX-78009189-C-G. GRCh37 (hg19) VCF-style: chrX-77264686-C-G.
Other names: c.1795C>G, p.Leu599Val (NM_001282224.2); short protein forms L599V.
Identifiers: ClinVar variation 1306018 (VCV001306018.4), dbSNP rs2149093539, ClinGen allele CA413597195.